The following is an entry in ClinVar:

NM_004656.4(BAP1):c.250C>T (p.His84Tyr)

Gene: BAP1 (BRCA1 associated deubiquitinase 1; minus strand). Cytogenetic location: 3p21.1.
Variant type: single nucleotide variant.
Coding change: c.250C>T on transcript NM_004656.4 (MANE Select); coding-DNA position 250, C replaced by T.
Protein change: p.His84Tyr; replaces histidine 84 with tyrosine.
Molecular consequence: missense variant.
Genome position (GRCh38, 1-based): chr3:52,408,479, G>A on the plus strand (C>T on the coding strand, the complement: BAP1 is on the minus strand). VCF-style: chr3-52408479-G-A. GRCh37 (hg19) VCF-style: chr3-52442495-G-A.
Other names: c.250C>T (LRG_529t1); short protein forms H84Y.
Identifiers: ClinVar variation 439431 (VCV000439431.29), dbSNP rs1338231889, ClinGen allele CA353112873.

ClinVar aggregate classification (germline): Conflicting classifications of pathogenicity. Review status: criteria provided, conflicting classifications (1 of 4 stars). 8 submissions from 8 submitters: Uncertain significance (6); Likely benign (2). Last evaluated 2026-04-16.

Conditions:
Hereditary cancer-predisposing syndrome. Also called: Hereditary Cancer Syndrome; Tumor predisposition; Hereditary neoplastic syndrome; Neoplastic Syndromes, Hereditary. Identifiers: Orphanet 140162, MedGen C0027672, MeSH D009386, MONDO:0015356.
BAP1-related tumor predisposition syndrome (TPDS1). Also called: Tumor susceptibility linked to germline BAP1 mutations; COMMON Syndrome; TUMOR PREDISPOSITION SYNDROME 1; BAP1 tumor predisposition syndrome. Identifiers: Orphanet 289539, MedGen C3280492, MONDO:0013692, OMIM 614327.

Allele frequency attached by ClinVar (database versions not stated): gnomAD 0.00001; gnomAD exomes 0.00002 and 0.00004.
gnomAD v4.1: 56 of 1,611,144 alleles (0.0035%); highest among the groups gnomAD compares: Non-Finnish European, 0.0046%; no homozygotes.

Submissions (8):

Ambry Genetics
Classification: Likely benign for Hereditary cancer-predisposing syndrome. Last evaluated: 2026-04-16. Review status: criteria provided, single submitter. Criteria: Ambry Variant Classification Scheme 2023. Collection method: clinical testing. Allele origin: germline.

Labcorp Genetics (formerly Invitae), Labcorp
Classification: Uncertain significance for BAP1-related tumor predisposition syndrome. Last evaluated: 2025-12-17. Review status: criteria provided, single submitter. Criteria: Invitae Variant Classification Sherloc (09022015). Collection method: clinical testing. Allele origin: germline.
Comment: This sequence change replaces histidine, which is basic and polar, with tyrosine, which is neutral and polar, at codon 84 of the BAP1 protein (p.His84Tyr). This variant is present in population databases (no rsID available, gnomAD 0.005%). This variant has not been reported in the literature in individuals affected with BAP1-related conditions. ClinVar contains an entry for this variant (Variation ID: 439431). Invitae Evidence Modeling of protein sequence and biophysical properties (such as structural, functional, and spatial information, amino acid conservation, physicochemical variation, residue mobility, and thermodynamic stability) indicates that this missense variant is expected to disrupt BAP1 protein function with a positive predictive value of 80%. In summary, the available evidence is currently insufficient to determine the role of this variant in disease. Therefore, it has been classified as a Variant of Uncertain Significance.

Myriad Genetics, Inc.
Classification: Likely benign for BAP1-related tumor predisposition syndrome. Last evaluated: 2024-07-11. Review status: criteria provided, single submitter. Criteria: Myriad Autosomal Dominant, Autosomal Recessive and X-Linked Classification Criteria (2023). Collection method: clinical testing. Allele origin: unknown.
Comment: This variant is considered likely benign. This variant has been observed at a population frequency that is significantly greater than expected given the associated disease prevalence and penetrance.

Color Diagnostics, LLC DBA Color Health
Classification: Uncertain significance for Hereditary cancer-predisposing syndrome. Last evaluated: 2024-02-09. Review status: criteria provided, single submitter. Criteria: ACMG Guidelines, 2015. Collection method: clinical testing. Allele origin: germline.
Comment: This missense variant replaces histidine with tyrosine at codon 84 of the BAP1 protein. Computational prediction is inconclusive regarding the impact of this variant on protein structure and function. To our knowledge, functional studies have not been reported for this variant. This variant has been reported in two individuals affected with melanoma as well as in three unaffected individuals, all with a family history of melanoma (Color Health internal data). This variant has been identified in 6/245358 chromosomes in the general population by the Genome Aggregation Database (gnomAD). The available evidence is insufficient to determine the role of this variant in disease conclusively. Therefore, this variant is classified as a Variant of Uncertain Significance.

GeneDx
Classification: Uncertain significance. Last evaluated: 2023-11-21. Review status: criteria provided, single submitter. Criteria: GeneDx Variant Classification Process June 2021. Collection method: clinical testing. Allele origin: germline. Affected: yes.
Comment: In silico analysis supports that this missense variant has a deleterious effect on protein structure/function; Has not been previously published as pathogenic or benign to our knowledge

Baylor Genetics
Classification: Uncertain significance for BAP1-related tumor predisposition syndrome. Last evaluated: 2023-08-14. Review status: criteria provided, single submitter. Criteria: ACMG Guidelines, 2015. Collection method: clinical testing. Allele origin: unknown.

Laboratorio de Genetica e Diagnostico Molecular, Hospital Israelita Albert Einstein
Classification: Uncertain significance for BAP1-related tumor predisposition syndrome. Last evaluated: 2021-04-13. Review status: criteria provided, single submitter. Criteria: ACMG Guidelines, 2015. Collection method: clinical testing. Allele origin: germline. Affected: yes.
Comment: ACMG classification criteria: PM2

ARUP Laboratories, Molecular Genetics and Genomics, ARUP Laboratories
Classification: Uncertain significance. Last evaluated: 2017-02-24. Review status: criteria provided, single submitter. Criteria: ARUP Molecular Germline Variant Investigation Process. Collection method: clinical testing. Allele origin: germline.

Literature cited by the submitters: PubMed 38969833 (cited by Ambry Genetics).